The following is an entry in ClinVar:

ClinVar aggregate classification (germline): Uncertain significance (1 of 4 stars; one submission).

Submission:

Labcorp Genetics (formerly Invitae), Labcorp
Classification: Uncertain significance. Last evaluated: 2024-08-14. Review status: criteria provided, single submitter. Criteria: Invitae Variant Classification Sherloc (09022015). Collection method: clinical testing. Allele origin: germline.
Comment: This sequence change replaces leucine, which is neutral and non-polar, with arginine, which is basic and polar, at codon 410 of the WFS1 protein (p.Leu410Arg). This variant is not present in population databases (gnomAD no frequency). This variant has not been reported in the literature in individuals affected with WFS1-related conditions. Invitae Evidence Modeling of protein sequence and biophysical properties (such as structural, functional, and spatial information, amino acid conservation, physicochemical variation, residue mobility, and thermodynamic stability) has been performed for this missense variant. However, the output from this modeling did not meet the statistical confidence thresholds required to predict the impact of this variant on WFS1 protein function. In summary, the available evidence is currently insufficient to determine the role of this variant in disease. Therefore, it has been classified as a Variant of Uncertain Significance.

NM_006005.3(WFS1):c.1229T>G (p.Leu410Arg)

Gene: WFS1 (wolframin ER transmembrane glycoprotein; plus strand). Cytogenetic location: 4p16.1.
Variant type: single nucleotide variant.
Coding change: c.1229T>G on transcript NM_006005.3 (MANE Select); coding-DNA position 1229, T replaced by G.
Protein change: p.Leu410Arg; replaces leucine 410 with arginine.
Molecular consequence: missense variant.
Genome position (GRCh38, 1-based): chr4:6,301,024, T>G. VCF-style: chr4-6301024-T-G. GRCh37 (hg19) VCF-style: chr4-6302751-T-G.
Other names: c.1229T>G, p.Leu410Arg (NM_001145853.1); short protein forms L410R.
Identifiers: ClinVar variation 3637002 (VCV003637002.2).